The following is an entry in ClinVar:

ClinVar aggregate classification (germline): Benign/Likely benign. Review status: criteria provided, multiple submitters, no conflicts (2 of 4 stars). 24 submissions from 17 submitters: Benign (18); Likely benign (2). 4 of the submissions do not count toward it. Last evaluated 2026-02-04.

Conditions:
Dilated cardiomyopathy 1G (CMD1G). Identifiers: Orphanet 154, MedGen C1858763, MONDO:0011400, OMIM 604145.
Autosomal recessive limb-girdle muscular dystrophy type 2J (LGMDR10). Also called: Limb-girdle muscular dystrophy, type 2J; MUSCULAR DYSTROPHY, LIMB-GIRDLE, AUTOSOMAL RECESSIVE 10. Identifiers: Orphanet 140922, MedGen C1837342, MONDO:0012127, OMIM 608807.
Early-onset myopathy with fatal cardiomyopathy (CMYO5). Also called: CONGENITAL MYOPATHY 5 WITH CARDIOMYOPATHY; Salih Myopathy. Identifiers: Orphanet 289377, MedGen C2673677, MONDO:0012714, OMIM 611705. Disease mechanism: loss of function.
Myopathy, myofibrillar, 9, with early respiratory failure (MFM9). Also called: MYOPATHY, PROXIMAL, WITH EARLY RESPIRATORY MUSCLE INVOLVEMENT; Myopathy, distal, with early respiratory failure, autosomal dominant; Hereditary myopathy with early respiratory failure; EDSTROM MYOPATHY. Identifiers: Orphanet 178464, Orphanet 34521, MedGen C1863599, MONDO:0011362, OMIM 603689.
Tibial muscular dystrophy (TMD). Also called: Tibial muscular dystrophy, tardive; UDD MYOPATHY; Udd Distal Myopathy – Tibial Muscular Dystrophy. Identifiers: Orphanet 609, MedGen C1838244, MONDO:0010870, OMIM 600334.

Allele frequency attached by ClinVar (database versions not stated): ESP Exome Variant Server 0.01514; TOPMed 0.01853; gnomAD 0.01992 and 0.02013; 1000 Genomes Project 30x 0.02077; 1000 Genomes Project 0.02236; gnomAD exomes 0.02315 and 0.02611; ExAC 0.02756.
gnomAD v4.1: 36,411 of 1,596,054 alleles (2.3%); highest among the groups gnomAD compares: East Asian, 6.1%; 514 homozygotes.

Submissions (24):

Labcorp Genetics (formerly Invitae), Labcorp
Classification: Benign for Dilated cardiomyopathy 1G; Autosomal recessive limb-girdle muscular dystrophy type 2J. Last evaluated: 2026-02-04. Review status: criteria provided, single submitter. Criteria: Invitae Variant Classification Sherloc (09022015). Collection method: clinical testing. Allele origin: germline.

Molecular Diagnostic Laboratory for Inherited Cardiovascular Disease, Montreal Heart Institute
Classification: Benign. Last evaluated: 2025-04-09. Review status: criteria provided, single submitter. Criteria: ACMG Guidelines, 2015. Collection method: clinical testing. Allele origin: germline. Affected: no.

Genome-Nilou Lab
Classification: Benign for Autosomal recessive limb-girdle muscular dystrophy type 2J. Last evaluated: 2021-09-10. Review status: criteria provided, single submitter. Criteria: ACMG Guidelines, 2015. Collection method: clinical testing. Allele origin: germline. Affected: no.

Genome-Nilou Lab
Classification: Benign for Myopathy, myofibrillar, 9, with early respiratory failure. Last evaluated: 2021-09-10. Review status: criteria provided, single submitter. Criteria: ACMG Guidelines, 2015. Collection method: clinical testing. Allele origin: germline. Affected: no.

Genome-Nilou Lab
Classification: Benign for Early-onset myopathy with fatal cardiomyopathy. Last evaluated: 2021-09-10. Review status: criteria provided, single submitter. Criteria: ACMG Guidelines, 2015. Collection method: clinical testing. Allele origin: germline. Affected: no.

Genome-Nilou Lab
Classification: Benign for Tibial muscular dystrophy. Last evaluated: 2021-09-10. Review status: criteria provided, single submitter. Criteria: ACMG Guidelines, 2015. Collection method: clinical testing. Allele origin: germline. Affected: no.

Women's Health and Genetics/Laboratory Corporation of America, LabCorp
Classification: Benign. Last evaluated: 2020-01-11. Review status: criteria provided, single submitter. Criteria: LabCorp Variant Classification Summary - May 2015. Collection method: clinical testing. Allele origin: germline.

Athena Diagnostics
Classification: Benign. Last evaluated: 2019-01-28. Review status: criteria provided, single submitter. Criteria: Athena Diagnostics Criteria. Collection method: clinical testing. Allele origin: germline.

Illumina Laboratory Services, Illumina
Classification: Likely benign for Dilated cardiomyopathy 1G. Last evaluated: 2018-01-12. Review status: criteria provided, single submitter. Criteria: ICSL Variant Classification Criteria 13 December 2019. Collection method: clinical testing. Allele origin: germline.
Comment: This variant was observed in the ICSL laboratory as part of a predisposition screen in an ostensibly healthy population. It had not been previously curated by ICSL or reported in the Human Gene Mutation Database (HGMD: prior to June 1st, 2018), and was therefore a candidate for classification through an automated scoring system. Utilizing variant allele frequency, disease prevalence and penetrance estimates, and inheritance mode, an automated score was calculated to assess if this variant is too frequent to cause the disease. Based on the score and internal cut-off values, a variant classified as likely benign is not then subjected to further curation. The score for this variant resulted in a classification of likely benign for this disease.

Illumina Laboratory Services, Illumina
Classification: Benign for Early-onset myopathy with fatal cardiomyopathy. Last evaluated: 2018-01-12. Review status: criteria provided, single submitter. Criteria: ICSL Variant Classification Criteria 13 December 2019. Collection method: clinical testing. Allele origin: germline.
Comment: This variant was observed in the ICSL laboratory as part of a predisposition screen in an ostensibly healthy population. It had not been previously curated by ICSL or reported in the Human Gene Mutation Database (HGMD: prior to June 1st, 2018), and was therefore a candidate for classification through an automated scoring system. Utilizing variant allele frequency, disease prevalence and penetrance estimates, and inheritance mode, an automated score was calculated to assess if this variant is too frequent to cause the disease. Based on the score and internal cut-off values, a variant classified as benign is not then subjected to further curation. The score for this variant resulted in a classification of benign for this disease.

Illumina Laboratory Services, Illumina
Classification: Benign for Tibial muscular dystrophy. Last evaluated: 2018-01-12. Review status: criteria provided, single submitter. Criteria: ICSL Variant Classification Criteria 13 December 2019. Collection method: clinical testing. Allele origin: germline.
Comment: the same text as in the submission from Illumina Laboratory Services, Illumina above.

Illumina Laboratory Services, Illumina
Classification: Benign for Autosomal recessive limb-girdle muscular dystrophy type 2J. Last evaluated: 2018-01-12. Review status: criteria provided, single submitter. Criteria: ICSL Variant Classification Criteria 13 December 2019. Collection method: clinical testing. Allele origin: germline.
Comment: the same text as in the submission from Illumina Laboratory Services, Illumina above.

Illumina Laboratory Services, Illumina
Classification: Benign for Myopathy, myofibrillar, 9, with early respiratory failure. Last evaluated: 2018-01-12. Review status: criteria provided, single submitter. Criteria: ICSL Variant Classification Criteria 13 December 2019. Collection method: clinical testing. Allele origin: germline.
Comment: the same text as in the submission from Illumina Laboratory Services, Illumina above.

Mayo Clinic Laboratories, Mayo Clinic
Classification: Benign. Last evaluated: 2017-12-20. Review status: criteria provided, single submitter. Criteria: ACMG Guidelines, 2015. Collection method: clinical testing. Allele origin: germline. Observed: 96 variant alleles.

Eurofins Ntd Llc (ga)
Classification: Benign. Last evaluated: 2014-11-20. Review status: criteria provided, single submitter. Criteria: EGL Classification Definitions 2015. Collection method: clinical testing. Allele origin: germline. Observed: 3 variant alleles, 3 heterozygotes.

Genetic Services Laboratory, University of Chicago
Classification: Benign for AllHighlyPenetrant. Last evaluated: 2013-08-15. Review status: criteria provided, single submitter. Criteria: ACMG Guidelines, 2007. Collection method: clinical testing. Allele origin: germline.

GeneDx
Classification: Benign. Last evaluated: 2013-04-29. Review status: criteria provided, single submitter. Criteria: GeneDx Variant Classification (06012015). Collection method: clinical testing. Allele origin: germline. Affected: yes.
Comment: This variant is considered likely benign or benign based on one or more of the following criteria: it is a conservative change, it occurs at a poorly conserved position in the protein, it is predicted to be benign by multiple in silico algorithms, and/or has population frequency not consistent with disease.

Laboratory for Molecular Medicine, Mass General Brigham Personalized Medicine
Classification: Benign. Last evaluated: 2011-11-14. Review status: criteria provided, single submitter. Criteria: LMM Criteria. Collection method: clinical testing. Allele origin: germline. Observed: 67 variant alleles.

Breakthrough Genomics
Classification: Likely benign. Review status: criteria provided, single submitter. Criteria: ACMG Guidelines, 2015. Collection method: not provided. Allele origin: germline. Inheritance: Autosomal recessive inheritance. Affected: yes.

PreventionGenetics, part of Exact Sciences
Classification: Benign. Review status: criteria provided, single submitter. Criteria: ACMG Guidelines, 2015. Collection method: clinical testing. Allele origin: germline.

Clinical Genetics, Academic Medical Center
Classification: Benign. Review status: no assertion criteria provided. Collection method: clinical testing. Allele origin: germline. Affected: yes. Study: VKGL Data-share Consensus. Not counted in ClinVar's aggregate classification.

Genome Diagnostics Laboratory, University Medical Center Utrecht
Classification: Benign. Review status: no assertion criteria provided. Collection method: clinical testing. Allele origin: germline. Affected: yes. Study: VKGL Data-share Consensus. Not counted in ClinVar's aggregate classification.

Joint Genome Diagnostic Labs from Nijmegen and Maastricht, Radboudumc and MUMC+
Classification: Benign. Review status: no assertion criteria provided. Collection method: clinical testing. Allele origin: germline. Affected: yes. Study: VKGL Data-share Consensus. Not counted in ClinVar's aggregate classification.

Laboratory of Diagnostic Genome Analysis, Leiden University Medical Center (LUMC)
Classification: Likely benign. Review status: no assertion criteria provided. Collection method: clinical testing. Allele origin: germline. Affected: yes. Study: VKGL Data-share Consensus. Not counted in ClinVar's aggregate classification.

NM_001267550.2(TTN):c.91852+8T>A

Genes: TTN (titin; minus strand), TTN-AS1 (TTN antisense RNA 1; plus strand). Cytogenetic location: 2q31.2.
Variant type: single nucleotide variant.
Coding change: c.91852+8T>A on transcript NM_001267550.2 (MANE Select); 8 bases into the intron after coding-DNA position 91852, T replaced by A.
Molecular consequence: intron variant.
Genome position (GRCh38, 1-based): chr2:178,549,978, A>T on the plus strand (T>A on the coding strand, the complement: TTN is on the minus strand). VCF-style: chr2-178549978-A-T. GRCh37 (hg19) VCF-style: chr2-179414705-A-T.
Other names: p.?; c.64657+8T>A (NM_003319.4); c.65233+8T>A (NM_133437.4); c.65032+8T>A (NM_133432.3); c.84148+8T>A (NM_133378.4); c.86929+8T>A (NM_001256850.1).
Identifiers: ClinVar variation 47515 (VCV000047515.39), dbSNP rs56145100, ClinGen allele CA284030.
Genomic context (GRCh38, chr2:178,549,978, plus strand): 5'-AATACAACTAGGCATGTCTCTAATCCAAGTTCATAAATTGTAGCATTAAGAAGCTATTTT[A>T]AAAGTACCTTGTACTTTCACTTTAATTTCTGCTTTTGCAGAACCAGATGCATTTTTGGCT-3'